The following is an entry in ClinVar:

NM_030813.6(CLPB):c.652G>A (p.Gly218Arg)

Gene: CLPB (ClpB family mitochondrial disaggregase; minus strand). Cytogenetic location: 11q13.4.
Variant type: single nucleotide variant.
Coding change: c.652G>A on transcript NM_030813.6 (MANE Plus Clinical); coding-DNA position 652, G replaced by A.
Protein change: p.Gly218Arg; replaces glycine 218 with arginine.
Molecular consequence: missense variant. On other transcripts: intron variant (2).
Genome position (GRCh38, 1-based): chr11:72,373,009, C>T on the plus strand (G>A on the coding strand, the complement: CLPB is on the minus strand). VCF-style: chr11-72373009-C-T. GRCh37 (hg19) VCF-style: chr11-72084053-C-T.
Other names: c.517G>A, p.Gly173Arg (NM_001258394.3); c.559+7272G>A (NM_001258393.3); c.646+7272G>A (NM_001258392.3); short protein forms G173R, G218R.
Identifiers: ClinVar variation 3658032 (VCV003658032.2).

ClinVar aggregate classification (germline): Uncertain significance (1 of 4 stars; one submission).

Conditions:
3-methylglutaconic aciduria, type VIIB (MGCA7B). Also called: 3-methylglutaconic aciduria, type VII, with cataracts, neurologic involvement and neutropenia; CLPB Deficiency; 3-methylglutaconic aciduria with cataracts, neurologic involvement and neutropenia. Identifiers: Orphanet 445038, MedGen C5676893, MONDO:0014561, OMIM 616271.

Submission:

Labcorp Genetics (formerly Invitae), Labcorp
Classification: Uncertain significance for 3-methylglutaconic aciduria, type VIIB. Last evaluated: 2024-08-04. Review status: criteria provided, single submitter. Criteria: Invitae Variant Classification Sherloc (09022015). Collection method: clinical testing. Allele origin: germline.
Comment: This sequence change replaces glycine, which is neutral and non-polar, with arginine, which is basic and polar, at codon 218 of the CLPB protein (p.Gly218Arg). This variant is not present in population databases (gnomAD no frequency). This variant has not been reported in the literature in individuals affected with CLPB-related conditions. An algorithm developed to predict the effect of missense changes on protein structure and function (PolyPhen-2) suggests that this variant is likely to be tolerated. In summary, the available evidence is currently insufficient to determine the role of this variant in disease. Therefore, it has been classified as a Variant of Uncertain Significance.